The following is an entry in ClinVar:

ClinVar aggregate classification (germline): Uncertain significance. Review status: criteria provided, multiple submitters, no conflicts (2 of 4 stars). 2 submissions from 2 submitters: Uncertain significance (2). Last evaluated 2023-05-03.

Conditions:
Inborn genetic diseases. Identifiers: MedGen C0950123, MeSH D030342.

gnomAD v4.1: 9 of 1,613,898 alleles (0.00056%); highest among the groups gnomAD compares: Admixed American, 0.0033%; no homozygotes.

Submissions (2):

GeneDx
Classification: Uncertain significance. Last evaluated: 2023-05-03. Review status: criteria provided, single submitter. Criteria: GeneDx Variant Classification Process June 2021. Collection method: clinical testing. Allele origin: germline. Affected: yes.
Comment: Not observed at significant frequency in large population cohorts (gnomAD); In silico analysis supports that this missense variant does not alter protein structure/function; Has not been previously published as pathogenic or benign to our knowledge

Ambry Genetics
Classification: Uncertain significance for Inborn genetic diseases. Last evaluated: 2021-07-14. Review status: criteria provided, single submitter. Criteria: Ambry Variant Classification Scheme 2023. Collection method: clinical testing. Allele origin: germline.

NM_021971.4(GMPPB):c.952-22C>A

Gene: GMPPB (GDP-mannose pyrophosphorylase B; minus strand). Cytogenetic location: 3p21.31.
Variant type: single nucleotide variant.
Coding change: c.952-22C>A on transcript NM_021971.4 (MANE Select); 22 bases into the intron before coding-DNA position 952, C replaced by A.
Molecular consequence: intron variant. On other transcripts: missense variant (1).
Genome position (GRCh38, 1-based): chr3:49,721,905, G>T on the plus strand (C>A on the coding strand, the complement: GMPPB is on the minus strand). VCF-style: chr3-49721905-G-T. GRCh37 (hg19) VCF-style: chr3-49759338-G-T.
Other names: c.1011C>A, p.Asp337Glu (NM_013334.4); c.1011C>A (NM_013334.3); short protein forms D337E.
Identifiers: ClinVar variation 2410066 (VCV002410066.3), dbSNP rs764575305, ClinGen allele CA2405386.